The following is an entry in ClinVar:

ClinVar aggregate classification (germline): Uncertain significance. Review status: criteria provided, multiple submitters, no conflicts (2 of 4 stars). 3 submissions from 3 submitters: Uncertain significance (3). Last evaluated 2026-04-28.

Conditions:
MAN2B1-related disorder. Also called: MAN2B1-related condition.
Deficiency of alpha-mannosidase (MANSA). Also called: Mannosidosis, alpha-, types I and II; LYSOSOMAL ALPHA-D-MANNOSIDASE DEFICIENCY; Alpha-Mannosidosis. Identifiers: Orphanet 61, MedGen C0024748, MONDO:0009561, OMIM 248500.
Inborn genetic diseases. Identifiers: MedGen C0950123, MeSH D030342.

Allele frequency attached by ClinVar (database versions not stated): gnomAD 0.00001; gnomAD exomes 0.00001; TOPMed 0.00001.
gnomAD v4.1: 13 of 1,608,062 alleles (0.00081%); highest among the groups gnomAD compares: Middle Eastern, 0.016%; no homozygotes.

Submissions (3):

PreventionGenetics, part of Exact Sciences
Classification: Uncertain significance for MAN2B1-related condition. Last evaluated: 2026-04-28. Review status: criteria provided, single submitter. Criteria: ACMG Guidelines, 2015. Collection method: clinical testing. Allele origin: germline.
Comment: The MAN2B1 c.1771C>T variant is predicted to result in the amino acid substitution p.Arg591Cys. To our knowledge, this variant has not been reported in the literature. This variant is reported in 0.0029% of alleles in individuals of Latino descent in gnomAD. At this time, the clinical significance of this variant is uncertain due to the absence of conclusive functional and genetic evidence.

Ambry Genetics
Classification: Uncertain significance for Inborn genetic diseases. Last evaluated: 2025-04-03. Review status: criteria provided, single submitter. Criteria: Ambry Variant Classification Scheme 2023. Collection method: clinical testing. Allele origin: germline.

Labcorp Genetics (formerly Invitae), Labcorp
Classification: Uncertain significance for Deficiency of alpha-mannosidase. Last evaluated: 2022-05-08. Review status: criteria provided, single submitter. Criteria: Invitae Variant Classification Sherloc (09022015). Collection method: clinical testing. Allele origin: germline.
Comment: This sequence change replaces arginine, which is basic and polar, with cysteine, which is neutral and slightly polar, at codon 591 of the MAN2B1 protein (p.Arg591Cys). This variant is present in population databases (no rsID available, gnomAD 0.003%). This variant has not been reported in the literature in individuals affected with MAN2B1-related conditions. Algorithms developed to predict the effect of missense changes on protein structure and function are either unavailable or do not agree on the potential impact of this missense change (SIFT: "Tolerated"; PolyPhen-2: "Possibly Damaging"; Align-GVGD: "Class C0"). In summary, the available evidence is currently insufficient to determine the role of this variant in disease. Therefore, it has been classified as a Variant of Uncertain Significance.

NM_000528.4(MAN2B1):c.1771C>T (p.Arg591Cys)

Gene: MAN2B1 (mannosidase alpha class 2B member 1; minus strand). Cytogenetic location: 19p13.13.
Variant type: single nucleotide variant.
Coding change: c.1771C>T on transcript NM_000528.4 (MANE Select); coding-DNA position 1771, C replaced by T.
Protein change: p.Arg591Cys; replaces arginine 591 with cysteine.
Molecular consequence: missense variant.
Genome position (GRCh38, 1-based): chr19:12,655,753, G>A on the plus strand (C>T on the coding strand, the complement: MAN2B1 is on the minus strand). VCF-style: chr19-12655753-G-A. GRCh37 (hg19) VCF-style: chr19-12766567-G-A.
Other names: c.1771C>T (NM_000528.3); c.1768C>T, p.Arg590Cys (NM_001173498.2); short protein forms R591C, R590C.
Identifiers: ClinVar variation 2173500 (VCV002173500.5), dbSNP rs912714124, ClinGen allele CA404244797.